The following is an entry in ClinVar:

NM_001199397.3(NEK1):c.80G>A (p.Gly27Asp)

Gene: NEK1 (NIMA related kinase 1; minus strand). Cytogenetic location: 4q33.
Variant type: single nucleotide variant.
Coding change: c.80G>A on transcript NM_001199397.3 (MANE Select); coding-DNA position 80, G replaced by A.
Protein change: p.Gly27Asp; replaces glycine 27 with aspartic acid.
Molecular consequence: missense variant. On other transcripts: non-coding transcript variant (2).
Genome position (GRCh38, 1-based): chr4:169,602,551, C>T on the plus strand (G>A on the coding strand, the complement: NEK1 is on the minus strand). VCF-style: chr4-169602551-C-T. GRCh37 (hg19) VCF-style: chr4-170523702-C-T.
Other names: c.80G>A, p.Gly27Asp (NM_001199398.3, NM_001199399.3, NM_001199400.3 and 7 more transcripts); c.80G>A (NM_012224.2); short protein forms G27D.
Identifiers: ClinVar variation 1478997 (VCV001478997.9), dbSNP rs1419433113, ClinGen allele CA358746024.

ClinVar aggregate classification (germline): Uncertain significance. Review status: criteria provided, multiple submitters, no conflicts (2 of 4 stars). 2 submissions from 2 submitters: Uncertain significance (2). Last evaluated 2026-02-23.

Conditions:
Short-rib thoracic dysplasia 6 with or without polydactyly (SRTD6). Also called: SHORT-RIB THORACIC DYSPLASIA 6 WITH POLYDACTYLY; SHORT-RIB THORACIC DYSPLASIA 6 WITHOUT POLYDACTYLY; POLYDACTYLY WITH NEONATAL CHONDRODYSTROPHY, TYPE II; SHORT RIB-POLYDACTYLY SYNDROME, TYPE IIA; Majewski Syndrome. Identifiers: MedGen C0024507, MONDO:0009894, OMIM 263520.
Inborn genetic diseases. Identifiers: MedGen C0950123, MeSH D030342.

Allele frequency attached by ClinVar (database versions not stated): TOPMed 0.00006; gnomAD exomes 0.00001.

Submissions (2):

Ambry Genetics
Classification: Uncertain significance for Inborn genetic diseases. Last evaluated: 2026-02-23. Review status: criteria provided, single submitter. Criteria: Ambry Variant Classification Scheme 2023. Collection method: clinical testing. Allele origin: germline.

Labcorp Genetics (formerly Invitae), Labcorp
Classification: Uncertain significance for Short-rib thoracic dysplasia 6 with or without polydactyly. Last evaluated: 2022-07-05. Review status: criteria provided, single submitter. Criteria: Invitae Variant Classification Sherloc (09022015). Collection method: clinical testing. Allele origin: germline.
Comment: In summary, the available evidence is currently insufficient to determine the role of this variant in disease. Therefore, it has been classified as a Variant of Uncertain Significance. Advanced modeling of protein sequence and biophysical properties (such as structural, functional, and spatial information, amino acid conservation, physicochemical variation, residue mobility, and thermodynamic stability) performed at Invitae indicates that this missense variant is not expected to disrupt NEK1 protein function. ClinVar contains an entry for this variant (Variation ID: 1478997). This variant has not been reported in the literature in individuals affected with NEK1-related conditions. This variant is present in population databases (no rsID available, gnomAD 0.01%). This sequence change replaces glycine, which is neutral and non-polar, with aspartic acid, which is acidic and polar, at codon 27 of the NEK1 protein (p.Gly27Asp).